The following is an entry in ClinVar:

ClinVar aggregate classification (germline): Uncertain significance (1 of 4 stars; one submission).

Conditions:
Cardiovascular phenotype. Identifiers: MedGen CN230736.
Hereditary cancer-predisposing syndrome. Also called: Tumor predisposition; Neoplastic Syndromes, Hereditary; Hereditary Cancer Syndrome; Hereditary neoplastic syndrome. Identifiers: Orphanet 140162, MedGen C0027672, MeSH D009386, MONDO:0015356.

Submission:

Ambry Genetics
Classification: Uncertain significance for Cardiovascular phenotype; Hereditary cancer-predisposing syndrome. Last evaluated: 2025-02-13. Review status: criteria provided, single submitter. Criteria: Ambry Variant Classification Scheme 2023. Collection method: clinical testing. Allele origin: germline.
Comment: The p.Y2608S variant (also known as c.7823A>C), located in coding exon 53 of the NF1 gene, results from an A to C substitution at nucleotide position 7823. The tyrosine at codon 2608 is replaced by serine, an amino acid with dissimilar properties. This amino acid position is conserved. In addition, this alteration is predicted to be deleterious by in silico analysis. Based on the available evidence, the clinical significance of this variant remains unclear.

NM_001042492.3(NF1):c.7886A>C (p.Tyr2629Ser)

Gene: NF1 (neurofibromin 1; plus strand). Cytogenetic location: 17q11.2.
Variant type: single nucleotide variant.
Coding change: c.7886A>C on transcript NM_001042492.3 (MANE Select); coding-DNA position 7886, A replaced by C.
Protein change: p.Tyr2629Ser; replaces tyrosine 2629 with serine.
Molecular consequence: missense variant.
Genome position (GRCh38, 1-based): chr17:31,357,285, A>C. VCF-style: chr17-31357285-A-C. GRCh37 (hg19) VCF-style: chr17-29684303-A-C.
Other names: c.7823A>C, p.Tyr2608Ser (NM_000267.4); short protein forms Y2629S, Y2608S.
Identifiers: ClinVar variation 3879114 (VCV003879114.1).